The following is an entry in ClinVar:

NM_000371.4(TTR):c.186G>C (p.Glu62Asp)

Gene: TTR (transthyretin; plus strand). Cytogenetic location: 18q12.1.
Variant type: single nucleotide variant.
Coding change: c.186G>C on transcript NM_000371.4 (MANE Select); coding-DNA position 186, G replaced by C.
Protein change: p.Glu62Asp; replaces glutamic acid 62 with aspartic acid.
Molecular consequence: missense variant.
Genome position (GRCh38, 1-based): chr18:31,593,012, G>C. VCF-style: chr18-31593012-G-C. GRCh37 (hg19) VCF-style: chr18-29172975-G-C.
Other names: c.186G>C (NM_000371.3); short protein forms E62D.
Identifiers: ClinVar variation 1068392 (VCV001068392.8), dbSNP rs1340627860, ClinGen allele CA402156859.

ClinVar aggregate classification (germline): Pathogenic. Review status: criteria provided, multiple submitters, no conflicts (2 of 4 stars). 2 submissions from 2 submitters: Pathogenic (2). Last evaluated 2026-08-12.

Conditions:
Cardiovascular phenotype. Identifiers: MedGen CN230736.
Amyloidosis, hereditary systemic 1 (AMYLD1). Also called: Isolated Cardiac Amyloidosis; Amyloid Cardiomyopathy, Transthyretin-related; Familial amyloid polyneuropathy; AMYLOID CARDIOMYOPATHY; Hereditary oculoleptomeningeal amyloid angiopathy; Familial Transthyretin Amyloidosis. Identifiers: Orphanet 85447, Orphanet 85451, MedGen C2751492, MONDO:0971004, OMIM 105210.

Submissions (2):

Ambry Genetics
Classification: Pathogenic for Cardiovascular phenotype. Last evaluated: 2026-08-12. Review status: criteria provided, single submitter. Criteria: Ambry Variant Classification Scheme 2023. Collection method: clinical testing. Allele origin: germline.
Comment: The p.E62D pathogenic mutation (also known as c.186G>C), located in coding exon 2 of the TTR gene, results from a G to C substitution at nucleotide position 186. The glutamic acid at codon 62 is replaced by aspartic acid, an amino acid with highly similar properties. This variant was reported in individual(s) with features consistent with hereditary transthyretin-related amyloidosis (Conti E et al. Rev Fac Cien Med Univ Nac Cordoba, 2024 Mar;81:167-177; Ioannou A et al. Eur J Heart Fail, 2024 Jan;26:65-73; Ioannou A et al. JAMA Cardiol, 2025 Jan;10:50-58; Ambry internal data). Other variant(s) resulting in the same amino acid change (c.186G>T) have been identified in individual(s) with features consistent with hereditary transthyretin-related amyloidosis (Dupuy O et al. Amyloid, 1998 Dec;5:285-7; Suhr OB et al. Transplantation, 2016 Feb;100:373-81). Note, these variants are also referred to as p.E42D in the literature. This amino acid position is not well conserved in available vertebrate species. In addition, the in silico prediction for this alteration is inconclusive. This variant is considered to be rare based on population cohorts in the Genome Aggregation Database (gnomAD). Based on the supporting evidence, this variant is interpreted as a disease-causing mutation.

Labcorp Genetics (formerly Invitae), Labcorp
Classification: Pathogenic for Amyloidosis, hereditary systemic 1. Last evaluated: 2025-05-27. Review status: criteria provided, single submitter. Criteria: Invitae Variant Classification Sherloc (09022015). Collection method: clinical testing. Allele origin: germline.
Comment: This sequence change replaces glutamic acid, which is acidic and polar, with aspartic acid, which is acidic and polar, at codon 62 of the TTR protein (p.Glu62Asp). This variant is not present in population databases (gnomAD no frequency). This missense change has been observed in individual(s) with familial transthyretin amyloidosis (PMID: 10036587; internal data). This variant is also known as p.Glu42Asp. ClinVar contains an entry for this variant (Variation ID: 1068392). Invitae Evidence Modeling of protein sequence and biophysical properties (such as structural, functional, and spatial information, amino acid conservation, physicochemical variation, residue mobility, and thermodynamic stability) indicates that this missense variant is expected to disrupt TTR protein function with a positive predictive value of 95%. This variant disrupts the p.Glu62 amino acid residue in TTR. Other variant(s) that disrupt this residue have been determined to be pathogenic (PMID: 1353861, 17503405). This suggests that this residue is clinically significant, and that variants that disrupt this residue are likely to be disease-causing. For these reasons, this variant has been classified as Pathogenic.

Literature cited by the submitters: PubMed 10036587 (cited by Ambry Genetics and Labcorp Genetics (formerly Invitae), Labcorp); PubMed 26656838 (cited by Ambry Genetics); PubMed 37997196 (cited by Ambry Genetics); PubMed 38537102 (cited by Ambry Genetics); PubMed 38866445 (cited by Ambry Genetics); PubMed 39550765 (cited by Ambry Genetics); PubMed 1353861 (cited by Labcorp Genetics (formerly Invitae), Labcorp); PubMed 17503405 (cited by Labcorp Genetics (formerly Invitae), Labcorp).